The following is an entry in ClinVar:

ClinVar aggregate classification (germline): Uncertain significance (1 of 4 stars; one submission).

Conditions:
Hereditary cancer-predisposing syndrome. Also called: Neoplastic Syndromes, Hereditary; Tumor predisposition; Hereditary neoplastic syndrome; Hereditary Cancer Syndrome. Identifiers: Orphanet 140162, MedGen C0027672, MeSH D009386, MONDO:0015356.

Submission:

Ambry Genetics
Classification: Uncertain significance for Hereditary cancer-predisposing syndrome. Last evaluated: 2026-07-02. Review status: criteria provided, single submitter. Criteria: Ambry Variant Classification Scheme 2023. Collection method: clinical testing. Allele origin: germline.
Comment: The p.S1343C variant (also known as c.4028C>G), located in coding exon 15 of the APC gene, results from a C to G substitution at nucleotide position 4028. The serine at codon 1343 is replaced by cysteine, an amino acid with dissimilar properties. This amino acid position is conserved. In addition, in silico predictors for this gene do not accurately predict pathogenicity. Based on the available evidence, the clinical significance of this variant remains unclear.

NM_000038.6(APC):c.4028C>G (p.Ser1343Cys)

Gene: APC (APC regulator of Wnt signaling pathway; plus strand). Cytogenetic location: 5q22.2.
Variant type: single nucleotide variant.
Coding change: c.4028C>G on transcript NM_000038.6 (MANE Select); coding-DNA position 4028, C replaced by G.
Protein change: p.Ser1343Cys; replaces serine 1343 with cysteine.
Molecular consequence: missense variant. On other transcripts: non-coding transcript variant (2).
Genome position (GRCh38, 1-based): chr5:112,839,622, C>G. VCF-style: chr5-112839622-C-G. GRCh37 (hg19) VCF-style: chr5-112175319-C-G.
Other names: c.3725C>G, p.Ser1242Cys (NM_001407458.1, NM_001407459.1, NM_001407460.1 and 1 more transcripts); c.3641C>G, p.Ser1214Cys (NM_001407467.1, NM_001407469.1); c.3179C>G, p.Ser1060Cys (NM_001407470.1, NM_001354906.2); c.2876C>G, p.Ser959Cys (NM_001407471.1, NM_001407472.1); c.4028C>G, p.Ser1343Cys (NM_001127510.3, NM_001354895.2, NM_001407450.1); c.3974C>G, p.Ser1325Cys (NM_001127511.3); c.4082C>G, p.Ser1361Cys (NM_001354896.2, NM_001407447.1, NM_001407448.1 and 1 more transcripts); c.4058C>G, p.Ser1353Cys (NM_001354897.2); and 11 more; short protein forms S1214C, S1217C, S1252C, S1302C, S1315C, S1318C, S1343C, S1353C.
Identifiers: ClinVar variation 5024855 (VCV005024855.1).